The following is an entry in ClinVar:

NM_000179.3(MSH6):c.1871G>T (p.Gly624Val)

Gene: MSH6 (mutS homolog 6; plus strand). Cytogenetic location: 2p16.3.
Variant type: single nucleotide variant.
Coding change: c.1871G>T on transcript NM_000179.3 (MANE Select); coding-DNA position 1871, G replaced by T.
Protein change: p.Gly624Val; replaces glycine 624 with valine.
Molecular consequence: missense variant.
Genome position (GRCh38, 1-based): chr2:47,799,854, G>T. VCF-style: chr2-47799854-G-T. GRCh37 (hg19) VCF-style: chr2-48026993-G-T.
Other names: c.1481G>T, p.Gly494Val (NM_001281492.2); c.965G>T, p.Gly322Val (NM_001281493.2, NM_001281494.2); short protein forms G624V, G322V, G494V.
Identifiers: ClinVar variation 233917 (VCV000233917.27), dbSNP rs763606858, ClinGen allele CA068227.
Genomic context (GRCh38, chr2:47,799,854, plus strand): 5'-AAACTAAAACAATTCTAAAGAGTTCATTGTCCTGTTCTCTTCAGGAAGGTCTGATACCCG[G>T]CTCCCAGTTTTGGGATGCATCCAAAACTTTGAGAACTCTCCTTGAGGAAGAATATTTTAG-3'
Protein context (NP_000170.1, residues 614-634): SCSLQEGLIP[Gly624Val]SQFWDASKTL

ClinVar aggregate classification (germline): Conflicting classifications of pathogenicity. Review status: criteria provided, conflicting classifications (1 of 4 stars). 8 submissions from 8 submitters: Uncertain significance (6); Likely benign (1). 1 of the submissions does not count toward it. Last evaluated 2026-01-31.

Conditions:
MSH6-related disorder. Also called: MSH6-related condition; MSH6-Related disorders.
Hereditary cancer-predisposing syndrome. Also called: Neoplastic Syndromes, Hereditary; Tumor predisposition; Hereditary Cancer Syndrome; Hereditary neoplastic syndrome. Identifiers: Orphanet 140162, MedGen C0027672, MeSH D009386, MONDO:0015356.
Mismatch repair cancer syndrome 3. Identifiers: MedGen C5436807, MONDO:0030841, OMIM 619097.
Endometrial carcinoma. Also called: Endometrial carcinoma, somatic. Identifiers: MedGen C0476089, MONDO:0002447, OMIM 608089, HP:0012114.
Lynch syndrome 5 (LYNCH5). Also called: Colorectal cancer, hereditary nonpolyposis, type 5; Hereditary non-polyposis colorectal cancer, type 5. Identifiers: Orphanet 144, MedGen C1833477, MONDO:0013710, OMIM 614350. Disease mechanism: loss of function.
Hereditary nonpolyposis colorectal neoplasms. Identifiers: MedGen C0009405, MeSH D003123.
Lynch syndrome. Identifiers: Orphanet 144, MedGen C4552100, MONDO:0005835. Disease mechanism: loss of function.

Allele frequency attached by ClinVar (database versions not stated): ExAC 0.00001.
gnomAD v4.1: 4 of 1,614,160 alleles (0.00025%); highest among the groups gnomAD compares: Non-Finnish European, 0.00034%; no homozygotes.

Submissions (8):

Labcorp Genetics (formerly Invitae), Labcorp
Classification: Likely benign for Hereditary nonpolyposis colorectal neoplasms. Last evaluated: 2026-01-31. Review status: criteria provided, single submitter. Criteria: Invitae Variant Classification Sherloc (09022015). Collection method: clinical testing. Allele origin: germline.

Ambry Genetics
Classification: Uncertain significance for Hereditary cancer-predisposing syndrome. Last evaluated: 2025-11-20. Review status: criteria provided, single submitter. Criteria: Ambry Variant Classification Scheme 2023. Collection method: clinical testing. Allele origin: germline.
Comment: The p.G624V variant (also known as c.1871G>T), located in coding exon 4 of the MSH6 gene, results from a G to T substitution at nucleotide position 1871. The glycine at codon 624 is replaced by valine, an amino acid with dissimilar properties. This amino acid position is well conserved in available vertebrate species. In addition, the in silico prediction for this alteration is inconclusive. Since supporting evidence is limited at this time, the clinical significance of this alteration remains unclear.

Fulgent Genetics
Classification: Uncertain significance for Endometrial carcinoma; Lynch syndrome 5; Mismatch repair cancer syndrome 3. Last evaluated: 2024-05-14. Review status: criteria provided, single submitter. Criteria: ACMG Guidelines, 2015. Collection method: clinical testing. Allele origin: germline.

Color Diagnostics, LLC DBA Color Health
Classification: Uncertain significance for Hereditary cancer-predisposing syndrome. Last evaluated: 2024-05-06. Review status: criteria provided, single submitter. Criteria: ACMG Guidelines, 2015. Collection method: clinical testing. Allele origin: germline.
Comment: This missense variant replaces glycine with valine at codon 624 of the MSH6 protein. Computational prediction suggests that this variant may not impact protein structure and function (internally defined REVEL score threshold <= 0.5, PMID: 27666373). To our knowledge, functional studies have not been reported for this variant. This variant has not been reported in individuals affected with MSH6-related disorders in the literature. This variant has been identified in 1/250388 chromosomes in the general population by the Genome Aggregation Database (gnomAD). The available evidence is insufficient to determine the role of this variant in disease conclusively. Therefore, this variant is classified as a Variant of Uncertain Significance.

All of Us Research Program, National Institutes of Health
Classification: Uncertain significance for Lynch syndrome. Last evaluated: 2023-08-08. Review status: criteria provided, single submitter. Criteria: ACMG Guidelines, 2015. Collection method: clinical testing. Allele origin: germline. Inheritance: Autosomal dominant inheritance. Observed: 3 variant alleles, 3 heterozygotes.
Comment: This missense variant replaces glycine with valine at codon 624 of the MSH6 protein. Computational prediction suggests that this variant may not impact protein structure and function (internally defined REVEL score threshold <= 0.5, PMID: 27666373). To our knowledge, functional studies have not been reported for this variant. This variant has not been reported in individuals affected with MSH6-related disorders in the literature. This variant has been identified in 1/250388 chromosomes in the general population by the Genome Aggregation Database (gnomAD). The available evidence is insufficient to determine the role of this variant in disease conclusively. Therefore, this variant is classified as a Variant of Uncertain Significance.

This study involves interpretation of variants in research participants for the purpose of population health screening. Participant phenotype was not available at the time of variant classification. Additional details can be found in publication PMID: 35346344, PMCID: PMC8962531

GeneDx
Classification: Uncertain significance. Last evaluated: 2021-11-24. Review status: criteria provided, single submitter. Criteria: GeneDx Variant Classification Process June 2021. Collection method: clinical testing. Allele origin: germline. Affected: yes.
Comment: Not observed at significant frequency in large population cohorts (Lek 2016); In silico analysis supports that this missense variant has a deleterious effect on protein structure/function; Has not been previously published as pathogenic or benign to our knowledge; This variant is associated with the following publications: (PMID: 17531815, 21120944)

Women's Health and Genetics/Laboratory Corporation of America, LabCorp
Classification: Uncertain significance. Last evaluated: 2021-02-25. Review status: criteria provided, single submitter. Criteria: LabCorp Variant Classification Summary - May 2015. Collection method: clinical testing. Allele origin: germline.
Comment: Variant summary: MSH6 c.1871G>T (p.Gly624Val) results in a non-conservative amino acid change located in the DNA mismatch repair protein MutS, connector domain (IPR007860) of the encoded protein sequence. Four of five in-silico tools predict a damaging effect of the variant on protein function. The variant allele was found at a frequency of 4e-06 in 250388 control chromosomes (gnomAD). The available data on variant occurrences in the general population are insufficient to allow any conclusion about variant significance. To our knowledge, no occurrence of c.1871G>T in individuals affected with Lynch Syndrome and no experimental evidence demonstrating its impact on protein function have been reported. Four ClinVar submitters (evaluation after 2014) cite the variant as uncertain significance. Based on the evidence outlined above, the variant was classified as uncertain significance.

PreventionGenetics, part of Exact Sciences
Classification: Uncertain significance for MSH6-related condition. Last evaluated: 2024-09-06. Review status: no assertion criteria provided. Collection method: clinical testing. Allele origin: germline. Not counted in ClinVar's aggregate classification.
Comment: The MSH6 c.1871G>T variant is predicted to result in the amino acid substitution p.Gly624Val. To our knowledge, this variant has not been reported in the literature. This variant is reported in 0.00088% of alleles in individuals of European (Non-Finnish) descent in gnomAD and has interpretations of likely benign (1) and uncertain significance (5) in ClinVar. At this time, the clinical significance of this variant is uncertain due to the absence of conclusive functional and genetic evidence.